The following is an entry in ClinVar:

NM_000179.3(MSH6):c.41C>T (p.Ser14Phe)

Gene: MSH6 (mutS homolog 6; plus strand). Cytogenetic location: 2p16.3.
Variant type: single nucleotide variant.
Coding change: c.41C>T on transcript NM_000179.3 (MANE Select); coding-DNA position 41, C replaced by T.
Protein change: p.Ser14Phe; replaces serine 14 with phenylalanine.
Molecular consequence: missense variant. On other transcripts: 5 prime UTR variant (1).
Genome position (GRCh38, 1-based): chr2:47,783,274, C>T. VCF-style: chr2-47783274-C-T. GRCh37 (hg19) VCF-style: chr2-48010413-C-T.
Other names: c.41C>T, p.Ser14Phe (NM_001281492.2); c.-696C>T (NM_001281493.2); short protein forms S14F.
Identifiers: ClinVar variation 216318 (VCV000216318.37), dbSNP rs863224628, ClinGen allele CA336718.

ClinVar aggregate classification (germline): Conflicting classifications of pathogenicity. Review status: criteria provided, conflicting classifications (1 of 4 stars). 11 submissions from 11 submitters: Uncertain significance (9); Likely benign (1). 1 of the submissions does not count toward it. Last evaluated 2026-01-05.

Conditions:
Mismatch repair cancer syndrome 3. Identifiers: MedGen C5436807, MONDO:0030841, OMIM 619097.
Lynch syndrome 5 (LYNCH5). Also called: Hereditary non-polyposis colorectal cancer, type 5; Colorectal cancer, hereditary nonpolyposis, type 5. Identifiers: Orphanet 144, MedGen C1833477, MONDO:0013710, OMIM 614350. Disease mechanism: loss of function.
Endometrial carcinoma. Also called: Endometrial carcinoma, somatic. Identifiers: MedGen C0476089, MONDO:0002447, OMIM 608089, HP:0012114.
Hereditary nonpolyposis colorectal neoplasms. Identifiers: MedGen C0009405, MeSH D003123.
Hereditary cancer-predisposing syndrome. Also called: Hereditary Cancer Syndrome; Hereditary neoplastic syndrome; Neoplastic Syndromes, Hereditary; Tumor predisposition. Identifiers: Orphanet 140162, MedGen C0027672, MeSH D009386, MONDO:0015356.
Breast and/or ovarian cancer. Identifiers: MedGen CN221562.
Lynch syndrome. Identifiers: Orphanet 144, MedGen C4552100, MONDO:0005835. Disease mechanism: loss of function.

Allele frequency attached by ClinVar (database versions not stated): gnomAD exomes below 0.00001; TOPMed 0.00001.
gnomAD v4.1: 32 of 1,612,246 alleles (0.002%); highest among the groups gnomAD compares: South Asian, 0.012%; no homozygotes.

Submissions (11):

Labcorp Genetics (formerly Invitae), Labcorp
Classification: Likely benign for Hereditary nonpolyposis colorectal neoplasms. Last evaluated: 2026-01-05. Review status: criteria provided, single submitter. Criteria: Invitae Variant Classification Sherloc (09022015). Collection method: clinical testing. Allele origin: germline.

Ambry Genetics
Classification: Uncertain significance for Hereditary cancer-predisposing syndrome. Last evaluated: 2025-10-15. Review status: criteria provided, single submitter. Criteria: Ambry Variant Classification Scheme 2023. Collection method: clinical testing. Allele origin: germline.
Comment: The p.S14F variant (also known as c.41C>T), located in coding exon 1 of the MSH6 gene, results from a C to T substitution at nucleotide position 41. The serine at codon 14 is replaced by phenylalanine, an amino acid with highly dissimilar properties. This alteration has been reported in a cohort of 488 patients with stages I to III breast cancer who were tested with a 25-gene panel test (Tung N et al. J Clin Oncol, 2016 May;34:1460-8). This amino acid position is well conserved in available vertebrate species. In addition, the in silico prediction for this alteration is inconclusive. Since supporting evidence is limited at this time, the clinical significance of this alteration remains unclear.

Quest Diagnostics Nichols Institute San Juan Capistrano
Classification: Uncertain significance. Last evaluated: 2024-07-30. Review status: criteria provided, single submitter. Criteria: Quest Diagnostics criteria. Collection method: clinical testing. Allele origin: unknown.
Comment: The MSH6 c.41C>T (p.Ser14Phe) variant has been reported in the published literature in an individual with breast cancer (PMID: 26976419 (2016)). The frequency of this variant in the general population, 0.0000041 (1/244750 chromosomes (Genome Aggregation Database)), is uninformative in the assessment of its pathogenicity. Analysis of this variant using bioinformatics tools for the prediction of the effect of amino acid changes on protein structure and function yielded predictions that this variant is benign. Based on the available information, we are unable to determine the clinical significance of this variant.

GeneDx
Classification: Uncertain significance. Last evaluated: 2024-06-12. Review status: criteria provided, single submitter. Criteria: GeneDx Variant Classification Process June 2021. Collection method: clinical testing. Allele origin: germline. Affected: yes.
Comment: Not observed at significant frequency in large population cohorts (gnomAD); In silico analysis supports that this missense variant has a deleterious effect on protein structure/function; Observed in an individual with breast cancer (PMID: 26976419); This variant is associated with the following publications: (PMID: 22949387, 23729658, 26976419)

All of Us Research Program, National Institutes of Health
Classification: Uncertain significance for Lynch syndrome. Last evaluated: 2024-04-16. Review status: criteria provided, single submitter. Criteria: ACMG Guidelines, 2015. Collection method: clinical testing. Allele origin: germline. Inheritance: Autosomal dominant inheritance. Observed: 4 variant alleles, 4 heterozygotes.
Comment: This missense variant replaces serine with phenylalanine at codon 14 of the MSH6 protein. Computational prediction suggests that this variant may not impact protein structure and function (internally defined REVEL score threshold <= 0.5, PMID: 27666373). Splice site prediction tools suggest that this variant may not impact RNA splicing. To our knowledge, functional studies have not been performed for this variant. This variant has been reported in an individual affected with breast cancer (PMID: 26976419). This variant has been identified in 1/244750 chromosomes in the general population by the Genome Aggregation Database (gnomAD). The available evidence is insufficient to determine the role of this variant in disease conclusively. Therefore, this variant is classified as a Variant of Uncertain Significance.

This study involves interpretation of variants in research participants for the purpose of population health screening. Participant phenotype was not available at the time of variant classification. Additional details can be found in publication PMID: 35346344, PMCID: PMC8962531

Baylor Genetics
Classification: Uncertain significance for Endometrial carcinoma. Last evaluated: 2024-03-24. Review status: criteria provided, single submitter. Criteria: ACMG Guidelines, 2015. Collection method: clinical testing. Allele origin: unknown.

Color Diagnostics, LLC DBA Color Health
Classification: Uncertain significance for Hereditary cancer-predisposing syndrome. Last evaluated: 2024-03-21. Review status: criteria provided, single submitter. Criteria: ACMG Guidelines, 2015. Collection method: clinical testing. Allele origin: germline.
Comment: This missense variant replaces serine with phenylalanine at codon 14 of the MSH6 protein. Computational prediction suggests that this variant may not impact protein structure and function (internally defined REVEL score threshold <= 0.5, PMID: 27666373). To our knowledge, functional studies have not been performed for this variant. This variant has been reported in an individual affected with breast cancer (PMID: 26976419). This variant has been identified in 1/244750 chromosomes in the general population by the Genome Aggregation Database (gnomAD). The available evidence is insufficient to determine the role of this variant in disease conclusively. Therefore, this variant is classified as a Variant of Uncertain Significance.

Myriad Genetics, Inc.
Classification: Uncertain significance for Lynch syndrome 5. Last evaluated: 2023-03-28. Review status: criteria provided, single submitter. Criteria: Myriad Autosomal Dominant, Autosomal Recessive and X-Linked Classification Criteria (2023). Collection method: clinical testing. Allele origin: unknown.
Comment: This variant is classified as a variant of uncertain significance as there is insufficient evidence to determine its impact on protein function and/or cancer risk.

CHEO Genetics Diagnostic Laboratory, Children's Hospital of Eastern Ontario
Classification: Uncertain significance for Breast and/or ovarian cancer. Last evaluated: 2022-11-15. Review status: criteria provided, single submitter. Criteria: ACMG Guidelines, 2015. Collection method: clinical testing. Allele origin: germline.

Department of Pathology and Laboratory Medicine, Sinai Health System
Classification: Uncertain significance for Endometrial carcinoma; Lynch syndrome 5; Mismatch repair cancer syndrome 3. Last evaluated: 2022-09-12. Review status: criteria provided, single submitter. Criteria: ACMG Guidelines, 2015. Collection method: clinical testing. Allele origin: germline. Affected: yes.

Counsyl
Classification: Uncertain significance for Lynch syndrome 5. Last evaluated: 2017-12-11. Review status: no assertion criteria provided. Collection method: clinical testing. Allele origin: unknown. Not counted in ClinVar's aggregate classification.

Literature cited by the submitters: PubMed 26976419 (cited by 6 submitters).